The following is an entry in ClinVar:

NM_003494.4(DYSF):c.1642del

Gene: DYSF (dysferlin; plus strand). Cytogenetic location: 2p13.2.
Variant type: Deletion.
Coding change: c.1642del on transcript NM_003494.4 (MANE Plus Clinical); coding-DNA position 1642, one base deleted (G; older notation c.1642delG).
Molecular consequence: splice acceptor variant.
Genome position (GRCh38, 1-based): chr2:71,551,610, G deleted; the last of 5 consecutive G bases (chr2:71,551,606-71,551,610); deleting any one gives the same sequence. VCF-style (leftmost placement, unchanged base first): chr2-71551605-AG-A. GRCh37 (hg19) VCF-style: chr2-71778735-AG-A.
Identifiers: ClinVar variation 94277 (VCV000094277.13), dbSNP rs398123772, ClinGen allele CA222132.

ClinVar aggregate classification (germline): Pathogenic. Review status: criteria provided, multiple submitters, no conflicts (2 of 4 stars). 3 submissions from 3 submitters: Pathogenic (3). Last evaluated 2023-09-29.

Conditions:
Neuromuscular disease caused by qualitative or quantitative defects of dysferlin. Also called: Qualitative or quantitative defects of dysferlin; Dysferlinopathy. Identifiers: Orphanet 207073, MedGen C2931687, MONDO:0016145.
Miyoshi muscular dystrophy 1 (MMD1). Identifiers: Orphanet 45448, MedGen C4551973, MONDO:0024545, OMIM 254130.

Submissions (3):

Baylor Genetics
Classification: Pathogenic for Miyoshi muscular dystrophy 1. Last evaluated: 2023-09-29. Review status: criteria provided, single submitter. Criteria: ACMG Guidelines, 2015. Collection method: clinical testing. Allele origin: unknown.

Labcorp Genetics (formerly Invitae), Labcorp
Classification: Pathogenic for Neuromuscular disease caused by qualitative or quantitative defects of dysferlin. Last evaluated: 2023-04-17. Review status: criteria provided, single submitter. Criteria: Invitae Variant Classification Sherloc (09022015). Collection method: clinical testing. Allele origin: germline.
Comment: This premature translational stop signal has been observed in individual(s) with limb-girdle muscular dystrophy (PMID: 19528035, 33610434). For these reasons, this variant has been classified as Pathogenic. Algorithms developed to predict the effect of sequence changes on RNA splicing suggest that this variant may disrupt the consensus splice site. ClinVar contains an entry for this variant (Variation ID: 94277). This variant is not present in population databases (gnomAD no frequency). This sequence change creates a premature translational stop signal (p.Glu548Lysfs*79) in the DYSF gene. It is expected to result in an absent or disrupted protein product. Loss-of-function variants in DYSF are known to be pathogenic (PMID: 17698709, 20301480).

Eurofins Ntd Llc (ga)
Classification: Pathogenic. Last evaluated: 2012-09-05. Review status: criteria provided, single submitter. Criteria: EGL Classification Definitions. Collection method: clinical testing. Allele origin: germline. Observed: 1 variant allele, 1 heterozygote.

Literature cited by the submitters: PubMed 19528035 (cited by Labcorp Genetics (formerly Invitae), Labcorp); PubMed 33610434 (cited by Labcorp Genetics (formerly Invitae), Labcorp); PubMed 17698709 (cited by Labcorp Genetics (formerly Invitae), Labcorp); PubMed 20301480 (cited by Labcorp Genetics (formerly Invitae), Labcorp).